The following is an entry in ClinVar:

ClinVar aggregate classification (germline): Uncertain significance (1 of 4 stars; one submission).

Submission:

GeneDx
Classification: Uncertain significance. Last evaluated: 2022-06-06. Review status: criteria provided, single submitter. Criteria: GeneDx Variant Classification Process June 2021. Collection method: clinical testing. Allele origin: germline. Affected: yes.
Comment: Not observed at significant frequency in large population cohorts (gnomAD); In-frame deletion of 1 amino acids in a non-repeat region; In silico analysis supports a deleterious effect on protein structure/function; Has not been previously published as pathogenic or benign to our knowledge.

NM_032436.4(CHAMP1):c.2266_2268del (p.His756del)

Gene: CHAMP1 (chromosome alignment maintaining phosphoprotein 1; plus strand). Cytogenetic location: 13q34.
Variant type: Deletion.
Coding change: c.2266_2268del on transcript NM_032436.4 (MANE Select); coding-DNA positions 2266 to 2268, 3 bases deleted (CAT; older notation c.2266_2268delCAT).
Protein change: p.His756del; deletes histidine 756.
Molecular consequence: inframe deletion.
Genome position (GRCh38, 1-based): chr13:114,326,108-114,326,110, CAT deleted; deleting any 3 consecutive bases within chr13:114,326,106-114,326,110 gives the same sequence; the c. name uses the placement nearest the transcript's 3' end. VCF-style (leftmost placement, unchanged base first): chr13-114326105-AATC-A. GRCh37 (hg19) VCF-style: chr13-115091580-AATC-A.
Other names: c.2266_2268del, p.His756del (NM_001164144.3, NM_001164145.3); short protein forms H756del.
Identifiers: ClinVar variation 1803592 (VCV001803592.1), dbSNP rs2503206191, ClinGen allele CA2580087263.